The following is an entry in ClinVar:

ClinVar aggregate classification (germline): Pathogenic. Review status: criteria provided, multiple submitters, no conflicts (2 of 4 stars). 2 submissions from 2 submitters: Pathogenic (2). Last evaluated 2023-09-07.

Conditions:
Hereditary cancer-predisposing syndrome. Also called: Neoplastic Syndromes, Hereditary; Hereditary neoplastic syndrome; Tumor predisposition; Hereditary Cancer Syndrome. Identifiers: Orphanet 140162, MedGen C0027672, MeSH D009386, MONDO:0015356.
Cardiovascular phenotype. Identifiers: MedGen CN230736.
Neurofibromatosis, type 1 (NF1). Also called: VON RECKLINGHAUSEN DISEASE; Peripheral type neurofibromatosis; NEUROFIBROMATOSIS, TYPE I, SOMATIC; Neurofibromatosis, type I. Identifiers: Orphanet 636, MedGen C0027831, MONDO:0018975, OMIM 162200. Disease mechanism: loss of function.

Submissions (2):

Ambry Genetics
Classification: Pathogenic for Cardiovascular phenotype; Hereditary cancer-predisposing syndrome. Last evaluated: 2023-09-07. Review status: criteria provided, single submitter. Criteria: Ambry Variant Classification Scheme 2023. Collection method: clinical testing. Allele origin: germline.
Comment: The p.S1053* pathogenic mutation (also known as c.3158C>A), located in coding exon 24 of the NF1 gene, results from a C to A substitution at nucleotide position 3158. This changes the amino acid from a serine to a stop codon within coding exon 24. This mutation has been reported in a patient with a benign pheochromocytoma (Menara M et al. J Clin Endocrinol Metab, 2015 Feb;100:E287-91). A different nucleotide substitution (c.3158C>G) resulting in the same premature stop codon has been identified in individuals with Neurofibromatosis type 1 (NF1) (Frayling IM et al. J Med Genet, 2019 Apr;56:209-219; Castellanos E et al. Clin Genet, 2020 Feb;97:264-275). In addition to the clinical data presented in the literature, this alteration is expected to result in loss of function by premature protein truncation or nonsense-mediated mRNA decay. As such, this alteration is interpreted as a disease-causing mutation.

Labcorp Genetics (formerly Invitae), Labcorp
Classification: Pathogenic for Neurofibromatosis, type 1. Last evaluated: 2020-01-23. Review status: criteria provided, single submitter. Criteria: Invitae Variant Classification Sherloc (09022015). Collection method: clinical testing. Allele origin: germline.
Comment: For these reasons, this variant has been classified as Pathogenic. Loss-of-function variants in NF1 are known to be pathogenic (PMID: 10712197, 23913538). This nonsense variant has been observed in individual(s) with neurofibromatosis type 1 (PMID:30530636). This variant is not present in population databases (ExAC no frequency). This sequence change creates a premature translational stop signal (p.Ser1053*) in the NF1 gene. It is expected to result in an absent or disrupted protein product.

Literature cited by the submitters: PubMed 10712197 (cited by Labcorp Genetics (formerly Invitae), Labcorp); PubMed 23913538 (cited by Labcorp Genetics (formerly Invitae), Labcorp); PubMed 30530636 (cited by Labcorp Genetics (formerly Invitae), Labcorp).

NM_001042492.3(NF1):c.3158C>A (p.Ser1053Ter)

Gene: NF1 (neurofibromin 1; plus strand). Cytogenetic location: 17q11.2.
Variant type: single nucleotide variant.
Coding change: c.3158C>A on transcript NM_001042492.3 (MANE Select); coding-DNA position 3158, C replaced by A.
Protein change: p.Ser1053Ter; replaces serine 1053 with a stop codon.
Molecular consequence: nonsense.
Genome position (GRCh38, 1-based): chr17:31,230,886, C>A. VCF-style: chr17-31230886-C-A. GRCh37 (hg19) VCF-style: chr17-29557904-C-A.
Other names: c.3158C>A, p.Ser1053Ter (NM_000267.4); short protein forms S1053*.
Identifiers: ClinVar variation 1075651 (VCV001075651.6), dbSNP rs1597717610, ClinGen allele CA398988062.